The following is an entry in ClinVar:

ClinVar aggregate classification (germline): Benign. Review status: criteria provided, multiple submitters, no conflicts (2 of 4 stars). 4 submissions from 4 submitters: Benign (3). 1 of the submissions does not count toward it. Last evaluated 2026-05-09.

Conditions:
IGF1R-related disorder. Also called: IGF1R-related condition.
Growth delay due to insulin-like growth factor I resistance. Also called: Somatomedin end-organ insensitivity to; Somatomedin-c resistance to; IGF-1 resistance; IGF-I RESISTANCE; Insulin-Like Growth Factor I Resistance. Identifiers: Orphanet 73273, MedGen C1849157, MONDO:0010038, OMIM 270450.

Allele frequency attached by ClinVar (database versions not stated): gnomAD 0.02037 and 0.02169; 1000 Genomes Project 0.02356; gnomAD exomes 0.00201 and 0.00541; ExAC 0.00676; TOPMed 0.02323; 1000 Genomes Project 30x 0.02858; ESP Exome Variant Server 0.02256.
gnomAD v4.1: 6,149 of 1,611,058 alleles (0.38%); highest among the groups gnomAD compares: African/African-American, 7.2%; 224 homozygotes.

Submissions (4):

Women's Health and Genetics/Laboratory Corporation of America, LabCorp
Classification: Benign. Last evaluated: 2026-05-09. Review status: criteria provided, single submitter. Criteria: LabCorp Variant Classification Summary - May 2015. Collection method: clinical testing. Allele origin: germline.

Labcorp Genetics (formerly Invitae), Labcorp
Classification: Benign. Last evaluated: 2026-02-03. Review status: criteria provided, single submitter. Criteria: Invitae Variant Classification Sherloc (09022015). Collection method: clinical testing. Allele origin: germline.

Illumina Laboratory Services, Illumina
Classification: Benign for Growth delay due to insulin-like growth factor I resistance. Last evaluated: 2018-01-13. Review status: criteria provided, single submitter. Criteria: ICSL Variant Classification Criteria 13 December 2019. Collection method: clinical testing. Allele origin: germline.
Comment: This variant was observed in the ICSL laboratory as part of a predisposition screen in an ostensibly healthy population. It had not been previously curated by ICSL or reported in the Human Gene Mutation Database (HGMD: prior to June 1st, 2018), and was therefore a candidate for classification through an automated scoring system. Utilizing variant allele frequency, disease prevalence and penetrance estimates, and inheritance mode, an automated score was calculated to assess if this variant is too frequent to cause the disease. Based on the score and internal cut-off values, a variant classified as benign is not then subjected to further curation. The score for this variant resulted in a classification of benign for this disease.

PreventionGenetics, part of Exact Sciences
Classification: Benign for IGF1R-related condition. Last evaluated: 2019-08-08. Review status: no assertion criteria provided. Collection method: clinical testing. Allele origin: germline. Not counted in ClinVar's aggregate classification.
Comment: This variant is classified as benign based on ACMG/AMP sequence variant interpretation guidelines (Richards et al. 2015 PMID: 25741868, with internal and published modifications).

NM_000875.5(IGF1R):c.864C>T (p.Ala288=)

Gene: IGF1R (insulin like growth factor 1 receptor; plus strand). Cytogenetic location: 15q26.3.
Variant type: single nucleotide variant.
Coding change: c.864C>T on transcript NM_000875.5 (MANE Select); coding-DNA position 864, C replaced by T.
Protein change: p.Ala288=; no amino-acid change (alanine 288 retained).
Molecular consequence: synonymous variant.
Genome position (GRCh38, 1-based): chr15:98,891,548, C>T. VCF-style: chr15-98891548-C-T. GRCh37 (hg19) VCF-style: chr15-99434777-C-T.
Other names: c.864C>T, p.Ala288= (NM_001291858.2).
Identifiers: ClinVar variation 317441 (VCV000317441.17), dbSNP rs34430460, ClinGen allele CA7751926.
Genomic context (GRCh38, chr15:98,891,548, plus strand): 5'-CTACAGGTTTGAGGGCTGGCGCTGTGTGGACCGTGACTTCTGCGCCAACATCCTCAGCGC[C>T]GAGAGCAGCGACTCCGAGGGGTTTGTGATCCACGACGGCGAGTGCATGCAGGAGTGCCCC-3'
Protein context (NP_000866.1, residues 278-298): DRDFCANILS[Ala288=]ESSDSEGFVI